The following is an entry in ClinVar:

NM_144573.4(NEXN):c.419A>G (p.Gln140Arg)

Genes: NEXN (nexilin F-actin binding protein; plus strand), LOC126805765 (BRD4-independent group 4 enhancer GRCh37_chr1:78383688-78384887; plus strand). Cytogenetic location: 1p31.1.
Variant type: single nucleotide variant.
Coding change: c.419A>G on transcript NM_144573.4 (MANE Select); coding-DNA position 419, A replaced by G.
Protein change: p.Gln140Arg; replaces glutamine 140 with arginine.
Molecular consequence: missense variant.
Genome position (GRCh38, 1-based): chr1:77,918,245, A>G. VCF-style: chr1-77918245-A-G. GRCh37 (hg19) VCF-style: chr1-78383930-A-G.
Other names: c.227A>G, p.Gln76Arg (NM_001172309.2); short protein forms Q140R, Q76R.
Identifiers: ClinVar variation 1944837 (VCV001944837.6), dbSNP rs922263550, ClinGen allele CA24705472.
Genomic context (GRCh38, chr1:77,918,245, plus strand): 5'-GAACGGAGGAGGAACGAAAACGCAGAATTGAGCAGGATATGTTAGAAAAGAGGAAAATAC[A>G]GCGTGAATTAGCAAAAAGGGCTGAACAGGTATCACTGAAGATTAAGTTCGTATTTGTTTC-3'
Protein context (NP_653174.3, residues 130-150): EQDMLEKRKI[Gln140Arg]RELAKRAEQI

ClinVar aggregate classification (germline): Uncertain significance. Review status: criteria provided, multiple submitters, no conflicts (2 of 4 stars). 2 submissions from 2 submitters: Uncertain significance (2). Last evaluated 2026-08-24.

Conditions:
Cardiovascular phenotype. Identifiers: MedGen CN230736.
Dilated cardiomyopathy 1CC (CMD1CC). Identifiers: Orphanet 154, MedGen C2751084, MONDO:0013147, OMIM 613122.
Hypertrophic cardiomyopathy 20. Identifiers: MedGen C3151267, MONDO:0013477, OMIM 613876.

Allele frequency attached by ClinVar (database versions not stated): gnomAD 0.00001; TOPMed below 0.00001.
gnomAD v4.1: 2 of 1,614,068 alleles (0.00012%); highest among the groups gnomAD compares: African/African-American, 0.0027%; no homozygotes.

Submissions (2):

Ambry Genetics
Classification: Uncertain significance for Cardiovascular phenotype. Last evaluated: 2026-08-24. Review status: criteria provided, single submitter. Criteria: Ambry Variant Classification Scheme 2023. Collection method: clinical testing. Allele origin: germline.
Comment: The p.Q140R variant (also known as c.419A>G), located in coding exon 4 of the NEXN gene, results from an A to G substitution at nucleotide position 419. The glutamine at codon 140 is replaced by arginine, an amino acid with highly similar properties. This amino acid position is conserved. In addition, this alteration is predicted to be tolerated by in silico analysis. Based on the available evidence, the clinical significance of this variant remains unclear.

Labcorp Genetics (formerly Invitae), Labcorp
Classification: Uncertain significance for Dilated cardiomyopathy 1CC; Hypertrophic cardiomyopathy 20. Last evaluated: 2022-02-01. Review status: criteria provided, single submitter. Criteria: Invitae Variant Classification Sherloc (09022015). Collection method: clinical testing. Allele origin: germline.
Comment: This sequence change replaces glutamine, which is neutral and polar, with arginine, which is basic and polar, at codon 140 of the NEXN protein (p.Gln140Arg). This variant is not present in population databases (gnomAD no frequency). This variant has not been reported in the literature in individuals affected with NEXN-related conditions. Algorithms developed to predict the effect of missense changes on protein structure and function are either unavailable or do not agree on the potential impact of this missense change (SIFT: "Deleterious"; PolyPhen-2: "Benign"; Align-GVGD: "Class C0"). In summary, the available evidence is currently insufficient to determine the role of this variant in disease. Therefore, it has been classified as a Variant of Uncertain Significance.